The following is an entry in ClinVar:

NM_000203.5(IDUA):c.1829-2A>G

Gene: IDUA (alpha-L-iduronidase; plus strand). Cytogenetic location: 4p16.3.
Variant type: single nucleotide variant.
Coding change: c.1829-2A>G on transcript NM_000203.5 (MANE Select); the canonical splice acceptor site of the intron before coding-DNA position 1829, A replaced by G.
Molecular consequence: splice acceptor variant.
Genome position (GRCh38, 1-based): chr4:1,004,258, A>G. VCF-style: chr4-1004258-A-G. GRCh37 (hg19) VCF-style: chr4-998046-A-G.
Other names: c.1433-2A>G (NM_001363576.1).
Identifiers: ClinVar variation 555790 (VCV000555790.11), dbSNP rs1553917733, ClinGen allele CA355965877.
Genomic context (GRCh38, chr4:1,004,258, plus strand): 5'-GGGTCAGGGGGCTTTCGGGTGGGGGCAGGTTCCGGTTGGCACACATGTCCCCTTGTCTCC[A>G]GACACAGGTGCTGTCTCTGGCTCCTACCGAGTTCGAGCCCTGGACTACTGGGCCCGACCA-3'

ClinVar aggregate classification (germline): Likely pathogenic. Review status: criteria provided, single submitter (1 of 4 stars). 2 submissions from 2 submitters: Likely pathogenic (1). 1 of the submissions does not count toward it. Last evaluated 2022-05-06.

Conditions:
Hurler syndrome. Also called: Gargoylism, Hurler Syndrome; MUCOPOLYSACCHARIDOSIS TYPE IH; Severe MPS I (Hurler Syndrome). Identifiers: Orphanet 93473, MedGen C0086795, MONDO:0011758, OMIM 607014.
Mucopolysaccharidosis type 1. Also called: Mucopolysaccharidosis Type I; IDUA deficiency; MPS I. Identifiers: Orphanet 579, MedGen C0023786, MONDO:0001586.

Allele frequency attached by ClinVar (database versions not stated): gnomAD exomes 0.00001.
gnomAD v4.1: 3 of 1,609,962 alleles (0.00019%); highest among the groups gnomAD compares: Non-Finnish European, 0.00025%; no homozygotes.

Submissions (2):

Labcorp Genetics (formerly Invitae), Labcorp
Classification: Likely pathogenic for Mucopolysaccharidosis type 1. Last evaluated: 2022-05-06. Review status: criteria provided, single submitter. Criteria: Invitae Variant Classification Sherloc (09022015). Collection method: clinical testing. Allele origin: germline.
Comment: Variants that disrupt the consensus splice site are a relatively common cause of aberrant splicing (PMID: 17576681, 9536098). Algorithms developed to predict the effect of sequence changes on RNA splicing suggest that this variant may disrupt the consensus splice site. ClinVar contains an entry for this variant (Variation ID: 555790). Disruption of this splice site has been observed in individual(s) with mucopolysaccharidosis type I (PMID: 24798265; Invitae). In at least one individual the data is consistent with being in trans (on the opposite chromosome) from a pathogenic variant. This variant is not present in population databases (gnomAD no frequency). This sequence change affects an acceptor splice site in intron 13 of the IDUA gene. While this variant is not anticipated to result in nonsense mediated decay, it likely alters RNA splicing and results in a disrupted protein product. In summary, the currently available evidence indicates that the variant is pathogenic, but additional data are needed to prove that conclusively. Therefore, this variant has been classified as Likely Pathogenic.

Counsyl
Classification: Likely pathogenic for Hurler syndrome. Last evaluated: 2017-12-21. Review status: no assertion criteria provided. Collection method: clinical testing. Allele origin: unknown. Not counted in ClinVar's aggregate classification.

Literature cited by the submitters: PubMed 17576681 (cited by Labcorp Genetics (formerly Invitae), Labcorp); PubMed 9536098 (cited by Labcorp Genetics (formerly Invitae), Labcorp); PubMed 24798265 (cited by Labcorp Genetics (formerly Invitae), Labcorp).